The following is an entry in ClinVar:

ClinVar aggregate classification (germline): Pathogenic (1 of 4 stars; one submission).

Conditions:
Immunodeficiency 23 (IMD23). Also called: IMMUNODEFICIENCY WITH HYPER IgE AND COGNITIVE IMPAIRMENT; IMMUNODEFICIENCY-VASCULITIS-MYOCLONUS SYNDROME. Identifiers: Orphanet 443811, MedGen C4014371, MONDO:0014353, OMIM 615816.

Submission:

Labcorp Genetics (formerly Invitae), Labcorp
Classification: Pathogenic for Immunodeficiency 23. Last evaluated: 2025-12-09. Review status: criteria provided, single submitter. Criteria: Invitae Variant Classification Sherloc (09022015). Collection method: clinical testing. Allele origin: germline.
Comment: This sequence change creates a premature translational stop signal (p.Trp5Glyfs*8) in the PGM3 gene. It is expected to result in an absent or disrupted protein product. Loss-of-function variants in PGM3 are known to be pathogenic (PMID: 17548465, 24589341, 24931394). This variant is present in population databases (no rsID available, gnomAD 0.02%). This variant has not been reported in the literature in individuals affected with PGM3-related conditions. ClinVar contains an entry for this variant (Variation ID: 2727774). For these reasons, this variant has been classified as Pathogenic.

Literature cited by the submitters: PubMed 17548465; PubMed 24589341; PubMed 24931394.

NM_015599.3(PGM3):c.-2-242_-2-241del

Gene: PGM3 (phosphoglucomutase 3; minus strand). Cytogenetic location: 6q14.1.
Variant type: Deletion.
Coding change: c.-2-242_-2-241del on transcript NM_015599.3 (MANE Select); 242 bases into the intron before 2 bases upstream of the start codon through 241 bases into the intron before 2 bases upstream of the start codon, 2 bases deleted (TG; older notation c.-2-242_-2-241delTG).
Molecular consequence: intron variant. On other transcripts: frameshift variant (2).
Genome position (GRCh38, 1-based): chr6:83,191,255-83,191,256, CA deleted on the plus strand (TG on the coding strand, the reverse complement: PGM3 is on the minus strand); deleting any 2 consecutive bases within chr6:83,191,255-83,191,257 gives the same sequence; the c. name uses the placement nearest the transcript's 3' end. VCF-style (leftmost placement, unchanged base first): chr6-83191254-CCA-C. GRCh37 (hg19) VCF-style: chr6-83900973-CCA-C.
Other names: c.13_14del, p.Trp5fs (NM_001199917.2, NM_001367287.1); c.-40+1923_-40+1924del (NM_001199918.2); c.-2-242_-2-241del (NM_001367286.1, NM_001199919.2); short protein forms W5fs.
Identifiers: ClinVar variation 2727774 (VCV002727774.3), dbSNP rs1236597304, ClinGen allele CA568302422.